The following is an entry in ClinVar:

ClinVar aggregate classification (germline): Conflicting classifications of pathogenicity. Review status: criteria provided, conflicting classifications (1 of 4 stars). 3 submissions from 3 submitters: Uncertain significance (1); Likely benign (2). Last evaluated 2025-11-18.

Conditions:
Catecholaminergic polymorphic ventricular tachycardia (CVPT). Also called: Catecholamine-induced polymorphic ventricular tachycardia. Identifiers: Orphanet 3286, MedGen C5574922, MONDO:0017990.
Catecholaminergic polymorphic ventricular tachycardia 1. Also called: VENTRICULAR TACHYCARDIA, CATECHOLAMINERGIC POLYMORPHIC, 1, WITH OR WITHOUT ATRIAL DYSFUNCTION AND/OR DILATED CARDIOMYOPATHY; RYR2-Related Catecholaminergic Polymorphic Ventricular Tachycardia; VENTRICULAR TACHYCARDIA, STRESS-INDUCED POLYMORPHIC 1. Identifiers: Orphanet 3286, MedGen C1631597, MONDO:0011484, OMIM 604772.
Cardiomyopathy (CMYO). Also called: Cardiomyopathies. Identifiers: Orphanet 167848, MedGen C0878544, MONDO:0004994, HP:0001638. Inheritance: Various modes of inheritance.

Allele frequency attached by ClinVar (database versions not stated): gnomAD exomes 0.00002; ExAC 0.00021.

Submissions (3):

Labcorp Genetics (formerly Invitae), Labcorp
Classification: Likely benign for Catecholaminergic polymorphic ventricular tachycardia 1. Last evaluated: 2025-11-18. Review status: criteria provided, single submitter. Criteria: Invitae Variant Classification Sherloc (09022015). Collection method: clinical testing. Allele origin: germline.

Color Diagnostics, LLC DBA Color Health
Classification: Likely benign for Cardiomyopathy. Last evaluated: 2025-07-22. Review status: criteria provided, single submitter. Criteria: ACMG Guidelines, 2015. Collection method: clinical testing. Allele origin: germline.

All of Us Research Program, National Institutes of Health
Classification: Uncertain significance for Catecholaminergic polymorphic ventricular tachycardia. Last evaluated: 2023-08-15. Review status: criteria provided, single submitter. Criteria: ACMG Guidelines, 2015. Collection method: clinical testing. Allele origin: germline. Inheritance: Autosomal dominant inheritance. Observed: 2 variant alleles, 2 heterozygotes.
Comment: This variant causes a deletion of 1 nucleotide in intron 5 of the RYR2 gene. To our knowledge, functional studies have not been reported for this variant. This variant has not been reported in individuals affected with RYR2-related disorders in the literature. This variant has been identified in 9/164598 chromosomes in the general population by the Genome Aggregation Database (gnomAD). The available evidence is insufficient to determine the role of this variant in disease conclusively. Therefore, this variant is classified as a Variant of Uncertain Significance.

This study involves interpretation of variants in research participants for the purpose of population health screening. Participant phenotype was not available at the time of variant classification. Additional details can be found in publication PMID: 35346344, PMCID: PMC8962531

NM_001035.3(RYR2):c.310-15del

Gene: RYR2 (ryanodine receptor 2; plus strand). Cytogenetic location: 1q43.
Variant type: Deletion.
Coding change: c.310-15del on transcript NM_001035.3 (MANE Select); 15 bases into the intron before coding-DNA position 310, one base deleted (C; older notation c.310-15delC).
Molecular consequence: intron variant.
Genome position (GRCh38, 1-based): chr1:237,369,519, C deleted. VCF-style (leftmost placement, unchanged base first): chr1-237369518-TC-T. GRCh37 (hg19) VCF-style: chr1-237532818-TC-T.
Identifiers: ClinVar variation 3071250 (VCV003071250.2), dbSNP rs770251723, ClinGen allele CA086304.